The following is an entry in ClinVar:

ClinVar aggregate classification (germline): Uncertain significance. Review status: criteria provided, multiple submitters, no conflicts (2 of 4 stars). 2 submissions from 2 submitters: Uncertain significance (2). Last evaluated 2025-03-24.

Conditions:
CSNK1D-related disorder. Also called: CSNK1D-related condition.

Submissions (2):

PreventionGenetics, part of Exact Sciences
Classification: Uncertain significance for CSNK1D-related condition. Last evaluated: 2025-03-24. Review status: criteria provided, single submitter. Criteria: ACMG Guidelines, 2015. Collection method: clinical testing. Allele origin: germline.
Comment: The CSNK1D c.1078G>A variant is predicted to result in the amino acid substitution p.Val360Ile. To our knowledge, this variant has not been reported in the literature. This variant is reported in 0.012% of alleles in individuals of South Asian descent in gnomAD. At this time, the clinical significance of this variant is uncertain due to the absence of conclusive functional and genetic evidence.

Ambry Genetics
Classification: Uncertain significance. Last evaluated: 2024-09-25. Review status: criteria provided, single submitter. Criteria: Ambry Variant Classification Scheme 2023. Collection method: clinical testing. Allele origin: germline.

NM_001893.6(CSNK1D):c.1078G>A (p.Val360Ile)

Gene: CSNK1D (casein kinase 1 delta; minus strand). Cytogenetic location: 17q25.3.
Variant type: single nucleotide variant.
Coding change: c.1078G>A on transcript NM_001893.6 (MANE Select); coding-DNA position 1078, G replaced by A.
Protein change: p.Val360Ile; replaces valine 360 with isoleucine.
Molecular consequence: missense variant. On other transcripts: non-coding transcript variant (1).
Genome position (GRCh38, 1-based): chr17:82,248,994, C>T on the plus strand (G>A on the coding strand, the complement: CSNK1D is on the minus strand). VCF-style: chr17-82248994-C-T. GRCh37 (hg19) VCF-style: chr17-80206870-C-T.
Other names: c.1078G>A, p.Val360Ile (NM_001363749.2, NM_139062.4); c.1078G>A (NM_139062.2); short protein forms V360I.
Identifiers: ClinVar variation 3497823 (VCV003497823.2).
Genomic context (GRCh38, chr17:82,248,994, plus strand): 5'-TGACGGGGGCCCCGCGGTGCAGCCGCATACTCACTTTCCGCTCTCTCTCCATGCCGGAGA[C>T]GGGCCGGGGGGAGGTGTTAGCTGAGGACAGGGAGAGAAACGGAGTGGGCCGCCCCCGTCT-3'
Protein context (NP_001884.2, residues 350-370): SHTANTSPRP[Val360Ile]SGMERERKVS